The following is an entry in ClinVar:

NM_001365951.3(KIF1B):c.891GAA[2] (p.Lys300del)

Gene: KIF1B (kinesin family member 1B; plus strand). Cytogenetic location: 1p36.22.
Variant type: Microsatellite.
Coding change: c.891GAA[2] on transcript NM_001365951.3 (MANE Select); two copies in a row of the 3-base unit GAA starting at c.891; the reference has three copies in a row; one copy, 3 bases deleted.
Protein change: p.Lys300del; deletes lysine 300.
Molecular consequence: inframe deletion.
Genome position (GRCh38, 1-based): chr1:10,275,442-10,275,444, GAA deleted; deleting any 3 consecutive bases within chr1:10,275,434-10,275,444 gives the same sequence; the position shown is the placement nearest the transcript's 3' end. VCF-style (leftmost placement, unchanged base first): chr1-10275433-AAAG-A. GRCh37 (hg19) VCF-style: chr1-10335491-AAAG-A.
Other names: c.891GAA[2], p.Lys300del (NM_001365952.1); c.873GAA[2], p.Lys294del (NM_001365953.1, NM_015074.3, NM_183416.4); c.879_881delGAA (NM_015074.3); short protein forms K294del, K300del.
Identifiers: ClinVar variation 1061374 (VCV001061374.11), dbSNP rs1180929845, ClinGen allele CA884723099.

ClinVar aggregate classification (germline): Uncertain significance. Review status: criteria provided, multiple submitters, no conflicts (2 of 4 stars). 2 submissions from 2 submitters: Uncertain significance (2). Last evaluated 2022-03-05.

Conditions:
Charcot-Marie-Tooth disease type 2. Also called: Charcot-Marie-Tooth type 2. Identifiers: Orphanet 64746, MedGen C0270914, MONDO:0018993.

Submissions (2):

Labcorp Genetics (formerly Invitae), Labcorp
Classification: Uncertain significance for Charcot-Marie-Tooth disease type 2. Last evaluated: 2022-03-05. Review status: criteria provided, single submitter. Criteria: Invitae Variant Classification Sherloc (09022015). Collection method: clinical testing. Allele origin: germline.
Comment: In summary, the available evidence is currently insufficient to determine the role of this variant in disease. Therefore, it has been classified as a Variant of Uncertain Significance. Experimental studies and prediction algorithms are not available or were not evaluated, and the functional significance of this variant is currently unknown. This variant has not been reported in the literature in individuals affected with KIF1B-related conditions. This variant is not present in population databases (gnomAD no frequency). This variant, c.879_881del, results in the deletion of 1 amino acid(s) of the KIF1B protein (p.Lys294del), but otherwise preserves the integrity of the reading frame.

Ambry Genetics
Classification: Uncertain significance. Last evaluated: 2022-02-07. Review status: criteria provided, single submitter. Criteria: Ambry Variant Classification Scheme 2023. Collection method: clinical testing. Allele origin: germline.
Comment: The c.879_881delGAA variant (also known as p.K294del) is located in coding exon 9 of the KIF1B gene. This variant results from an in-frame GAA deletion at nucleotide positions 879 to 881. This results in the in-frame deletion of a lysine at codon 294. This amino acid position is highly conserved in available vertebrate species. In addition, this alteration is predicted to be deleterious by in silico analysis (Choi Y et al. PLoS ONE. 2012; 7(10):e46688). Since supporting evidence is limited at this time, the clinical significance of this alteration remains unclear.